The following is an entry in ClinVar:

ClinVar aggregate classification (germline): Conflicting classifications of pathogenicity. Review status: criteria provided, conflicting classifications (1 of 4 stars). 7 submissions from 7 submitters: Uncertain significance (1); Likely benign (4). 2 of the submissions do not count toward it. Last evaluated 2026-05-01.

Conditions:
Early-infantile DEE. Also called: Ohtahara syndrome; Early infantile epileptic encephalopathy with suppression bursts; Early infantile epileptic encephalopathy. Identifiers: Orphanet 1934, MedGen C0393706, MONDO:0800491.
Inborn genetic diseases. Identifiers: MedGen C0950123, MeSH D030342.

Allele frequency attached by ClinVar (database versions not stated): TOPMed 0.00004; gnomAD exomes 0.00009 and 0.00020; gnomAD 0.00011; 1000 Genomes Project 30x 0.00031; 1000 Genomes Project 0.00040; ExAC 0.00040.

Submissions (7):

CeGaT Center for Human Genetics Tuebingen
Classification: Likely benign. Last evaluated: 2026-05-01. Review status: criteria provided, single submitter. Criteria: CeGaT Center For Human Genetics Tuebingen Variant Classification Criteria Version 2. Collection method: clinical testing. Allele origin: germline. Affected: yes. Observed: 1 variant allele.
Comment: SLC25A22: BP4, BP7

Labcorp Genetics (formerly Invitae), Labcorp
Classification: Likely benign for Early-infantile DEE. Last evaluated: 2025-06-02. Review status: criteria provided, single submitter. Criteria: Invitae Variant Classification Sherloc (09022015). Collection method: clinical testing. Allele origin: germline.

Blueprint Genetics
Classification: Likely benign. Last evaluated: 2024-10-18. Review status: criteria provided, single submitter. Criteria: ACMG Guidelines, 2015. Collection method: clinical testing. Allele origin: germline.

Ambry Genetics
Classification: Likely benign for Inborn genetic diseases. Last evaluated: 2017-05-22. Review status: criteria provided, single submitter. Criteria: Ambry Variant Classification Scheme 2023. Collection method: clinical testing. Allele origin: germline.

Eurofins Ntd Llc (ga)
Classification: Uncertain significance. Last evaluated: 2015-01-30. Review status: criteria provided, single submitter. Criteria: EGL Classification Definitions 2015. Collection method: clinical testing. Allele origin: germline. Observed: 1 variant allele, 1 heterozygote.

Clinical Genetics DNA and cytogenetics Diagnostics Lab, Erasmus MC, Erasmus Medical Center
Classification: Likely benign. Review status: no assertion criteria provided. Collection method: clinical testing. Allele origin: germline. Affected: yes. Study: VKGL Data-share Consensus. Not counted in ClinVar's aggregate classification.

Genome Diagnostics Laboratory, University Medical Center Utrecht
Classification: Likely benign. Review status: no assertion criteria provided. Collection method: clinical testing. Allele origin: germline. Affected: yes. Study: VKGL Data-share Consensus. Not counted in ClinVar's aggregate classification.

NM_001191061.2(SLC25A22):c.834C>T (p.His278=)

Gene: SLC25A22 (solute carrier family 25 member 22; minus strand). Cytogenetic location: 11p15.5.
Variant type: single nucleotide variant.
Coding change: c.834C>T on transcript NM_001191061.2 (MANE Select); coding-DNA position 834, C replaced by T.
Protein change: p.His278=; no amino-acid change (histidine 278 retained).
Molecular consequence: synonymous variant.
Genome position (GRCh38, 1-based): chr11:792,053, G>A on the plus strand (C>T on the coding strand, the complement: SLC25A22 is on the minus strand). VCF-style: chr11-792053-G-A. GRCh37 (hg19) VCF-style: chr11-792053-G-A.
Other names: c.834C>T, p.His278= (NM_001191060.2, NM_024698.6).
Identifiers: ClinVar variation 193742 (VCV000193742.23), dbSNP rs187824231, ClinGen allele CA239365.